The following is an entry in ClinVar:

ClinVar aggregate classification (germline): Uncertain significance (1 of 4 stars; one submission).

gnomAD v4.1: 11 of 1,613,312 alleles (0.00068%); highest among the groups gnomAD compares: Non-Finnish European, 0.00085%; no homozygotes.

Submission:

Women's Health and Genetics/Laboratory Corporation of America, LabCorp
Classification: Uncertain significance. Last evaluated: 2026-02-16. Review status: criteria provided, single submitter. Criteria: LabCorp Variant Classification Summary - May 2015. Collection method: clinical testing. Allele origin: germline.
Comment: Variant summary: CACNA1I c.1900C>T (p.Arg634Cys) results in a non-conservative amino acid change in the encoded protein sequence. Algorithms developed to predict the effect of missense changes on protein structure and function all suggest that this variant is likely to be disruptive. The variant allele was found at a frequency of 8.1e-06 in 247574 control chromosomes. The available data on variant occurrences in the general population are insufficient to allow any conclusion about variant significance. To our knowledge, no occurrence of c.1900C>T in individuals affected with CACNA1I-related conditions and no experimental evidence demonstrating its impact on protein function have been reported. No submitters have cited clinical-significance assessments for this variant to ClinVar. Based on the evidence outlined above, the variant was classified as uncertain significance.

NM_021096.4(CACNA1I):c.1900C>T (p.Arg634Cys)

Gene: CACNA1I (calcium voltage-gated channel subunit alpha1 I; plus strand). Cytogenetic location: 22q13.1.
Variant type: single nucleotide variant.
Coding change: c.1900C>T on transcript NM_021096.4 (MANE Select); coding-DNA position 1900, C replaced by T.
Protein change: p.Arg634Cys; replaces arginine 634 with cysteine.
Molecular consequence: missense variant.
Genome position (GRCh38, 1-based): chr22:39,649,833, C>T. VCF-style: chr22-39649833-C-T. GRCh37 (hg19) VCF-style: chr22-40045838-C-T.
Other names: c.1795C>T, p.Arg599Cys (NM_001003406.2); short protein forms R599C, R634C.
Identifiers: ClinVar variation 4847795 (VCV004847795.1).